The following is an entry in ClinVar:

ClinVar aggregate classification (germline): Likely benign. Review status: criteria provided, multiple submitters, no conflicts (2 of 4 stars). 3 submissions from 3 submitters: Likely benign (2). 1 of the submissions does not count toward it. Last evaluated 2018-02-26.

Conditions:
KIF26B-related disorder. Also called: KIF26B-related condition.

Allele frequency attached by ClinVar (database versions not stated): 1000 Genomes Project 30x 0.00172; gnomAD 0.00227 and 0.00210; gnomAD exomes 0.00020 and 0.00053; 1000 Genomes Project 0.00160; ESP Exome Variant Server 0.00183; ExAC 0.00066; TOPMed 0.00223.
gnomAD v4.1: 624 of 1,613,522 alleles (0.039%); highest among the groups gnomAD compares: African/African-American, 0.75%; 2 homozygotes.

Submissions (3):

Labcorp Genetics (formerly Invitae), Labcorp
Classification: Likely benign. Last evaluated: 2018-02-26. Review status: criteria provided, single submitter. Criteria: Invitae Variant Classification Sherloc (09022015). Collection method: clinical testing. Allele origin: germline.

Breakthrough Genomics
Classification: Likely benign. Review status: criteria provided, single submitter. Criteria: ACMG Guidelines, 2015. Collection method: not provided. Allele origin: germline. Inheritance: Unknown mechanism. Affected: yes.

PreventionGenetics, part of Exact Sciences
Classification: Benign for KIF26B-related condition. Last evaluated: 2019-08-13. Review status: no assertion criteria provided. Collection method: clinical testing. Allele origin: germline. Not counted in ClinVar's aggregate classification.
Comment: This variant is classified as benign based on ACMG/AMP sequence variant interpretation guidelines (Richards et al. 2015 PMID: 25741868, with internal and published modifications).

NM_018012.4(KIF26B):c.4084A>G (p.Ile1362Val)

Gene: KIF26B (kinesin family member 26B; plus strand). Cytogenetic location: 1q44.
Variant type: single nucleotide variant.
Coding change: c.4084A>G on transcript NM_018012.4 (MANE Select); coding-DNA position 4084, A replaced by G.
Protein change: p.Ile1362Val; replaces isoleucine 1362 with valine.
Molecular consequence: missense variant.
Genome position (GRCh38, 1-based): chr1:245,687,067, A>G. VCF-style: chr1-245687067-A-G. GRCh37 (hg19) VCF-style: chr1-245850369-A-G.
Other names: short protein forms I1362V.
Identifiers: ClinVar variation 780331 (VCV000780331.6), dbSNP rs73127011, ClinGen allele CA1488393.
Genomic context (GRCh38, chr1:245,687,067, plus strand): 5'-ATCCTGTCTGAGATGGGAGATGACTCTTTCAACAAAGCAGCCCCCATCAAAGGCTGCAAA[A>G]TATCCACAGTGAGCAAGGCCATGGTCACCATCTCCAACACGGCCAATCTGAGCAGCTGCG-3'
Protein context (NP_060482.2, residues 1352-1372): NKAAPIKGCK[Ile1362Val]STVSKAMVTI